The following is an entry in ClinVar:

NM_000455.5(STK11):c.900C>T (p.Ile300=)

Gene: STK11 (serine/threonine kinase 11; plus strand). Cytogenetic location: 19p13.3.
Variant type: single nucleotide variant.
Coding change: c.900C>T on transcript NM_000455.5 (MANE Select); coding-DNA position 900, C replaced by T.
Protein change: p.Ile300=; no amino-acid change (isoleucine 300 retained).
Molecular consequence: synonymous variant.
Genome position (GRCh38, 1-based): chr19:1,221,986, C>T. VCF-style: chr19-1221986-C-T. GRCh37 (hg19) VCF-style: chr19-1221985-C-T.
Other names: p.I300I:ATC>ATT.
Identifiers: ClinVar variation 182887 (VCV000182887.27), dbSNP rs546089394, ClinGen allele CA023339.
Genomic context (GRCh38, chr19:1,221,986, plus strand): 5'-GCTCCTCGCCGGCTTCTCCTCAGGGATGCTTGAGTACGAACCGGCCAAGAGGTTCTCCAT[C>T]CGGCAGATCCGGCAGCACAGGTGAGCGGCCCCTGGGGGCAGTGGGGCCGAGGCTGCAGGG-3'
Protein context (NP_000446.1, residues 290-310): LEYEPAKRFS[Ile300=]RQIRQHSWFR

ClinVar aggregate classification (germline): Benign/Likely benign. Review status: criteria provided, multiple submitters, no conflicts (2 of 4 stars). 11 submissions from 11 submitters: Benign (5); Likely benign (6). Last evaluated 2026-01-26.

Conditions:
Hereditary cancer-predisposing syndrome. Also called: Tumor predisposition; Hereditary Cancer Syndrome; Hereditary neoplastic syndrome; Neoplastic Syndromes, Hereditary. Identifiers: Orphanet 140162, MedGen C0027672, MeSH D009386, MONDO:0015356.
Peutz-Jeghers syndrome (PJS). Also called: POLYPOSIS, HAMARTOMATOUS INTESTINAL; POLYPS-AND-SPOTS SYNDROME; Peutz-Jeghers polyposis; Periorificial lentiginosis syndrome. Identifiers: Orphanet 2869, MedGen C0031269, MeSH D010580, MONDO:0008280, OMIM 175200.

Allele frequency attached by ClinVar (database versions not stated): gnomAD exomes 0.00001 and 0.00004; gnomAD 0.00011 and 0.00012; TOPMed 0.00012; ExAC 0.00013; 1000 Genomes Project 0.00040; 1000 Genomes Project 30x 0.00047.
gnomAD v4.1: 37 of 1,569,660 alleles (0.0024%); highest among the groups gnomAD compares: African/African-American, 0.05%; no homozygotes.

Submissions (11):

Labcorp Genetics (formerly Invitae), Labcorp
Classification: Likely benign for Peutz-Jeghers syndrome. Last evaluated: 2026-01-26. Review status: criteria provided, single submitter. Criteria: Invitae Variant Classification Sherloc (09022015). Collection method: clinical testing. Allele origin: germline.

Quest Diagnostics Nichols Institute San Juan Capistrano
Classification: Benign. Last evaluated: 2025-10-22. Review status: criteria provided, single submitter. Criteria: Quest Diagnostics criteria. Collection method: clinical testing. Allele origin: unknown.

Myriad Genetics, Inc.
Classification: Benign for Peutz-Jeghers syndrome. Last evaluated: 2025-03-27. Review status: criteria provided, single submitter. Criteria: Myriad Autosomal Dominant, Autosomal Recessive and X-Linked Classification Criteria (2023). Collection method: clinical testing. Allele origin: unknown.
Comment: This variant is considered benign. This variant is a silent/synonymous amino acid change and it is not expected to impact splicing.

All of Us Research Program, National Institutes of Health
Classification: Likely benign for Peutz-Jeghers syndrome. Last evaluated: 2023-12-13. Review status: criteria provided, single submitter. Criteria: ACMG Guidelines, 2015. Collection method: clinical testing. Allele origin: germline. Inheritance: Autosomal dominant inheritance. Observed: 14 variant alleles, 14 heterozygotes.
Comment: This study involves interpretation of variants in research participants for the purpose of population health screening. Participant phenotype was not available at the time of variant classification. Additional details can be found in publication PMID: 35346344, PMCID: PMC8962531

Genome-Nilou Lab
Classification: Likely benign for Peutz-Jeghers syndrome. Last evaluated: 2021-07-15. Review status: criteria provided, single submitter. Criteria: ACMG Guidelines, 2015. Collection method: clinical testing. Allele origin: germline. Affected: no.

Sema4
Classification: Benign for Hereditary cancer-predisposing syndrome. Last evaluated: 2021-06-15. Review status: criteria provided, single submitter. Criteria: Sema4 Curation Guidelines. Collection method: curation. Allele origin: germline.

Department of Pathology and Laboratory Medicine, Sinai Health System
Classification: Likely benign for Peutz-Jeghers syndrome. Last evaluated: 2020-06-23. Review status: criteria provided, single submitter. Criteria: ACMG Guidelines, 2015. Collection method: clinical testing. Allele origin: germline. Affected: yes.

Women's Health and Genetics/Laboratory Corporation of America, LabCorp
Classification: Benign. Last evaluated: 2019-03-22. Review status: criteria provided, single submitter. Criteria: LabCorp Variant Classification Summary - May 2015. Collection method: clinical testing. Allele origin: germline.
Comment: Variant summary: STK11 c.900C>T alters a non-conserved nucleotide resulting in a synonymous change. 5/5 computational tools predict no significant impact on normal splicing. However, these predictions have yet to be confirmed by functional studies. The variant allele was found at a frequency of 0.00013 in 30928 control chromosomes (gnomAD). The available data on variant occurrences in the general population are insufficient to allow any conclusion about variant significance. To our knowledge, no occurrence of c.900C>T in individuals affected with Peutz-Jeghers Syndrome and no experimental evidence demonstrating its impact on protein function have been reported. Co-occurrence with another pathogenic variant has been reported (PMS2 c.2186_2187delTC, p.Leu729fsX6) in our internal database. In addition, this variant was found in 3/2559 African American women who are older than age of 70 years and cancer free (FLOSSIES database), providing supporting evidence for a benign role. Three clinical diagnostic laboratories have submitted clinical-significance assessments for this variant to ClinVar after 2014 without evidence for independent evaluation. All laboratories classified the variant as likely benign. Based on the evidence outlined above, the variant was classified as benign.

Color Diagnostics, LLC DBA Color Health
Classification: Likely benign for Hereditary cancer-predisposing syndrome. Last evaluated: 2017-08-18. Review status: criteria provided, single submitter. Criteria: ACMG Guidelines, 2015. Collection method: clinical testing. Allele origin: germline.

Ambry Genetics
Classification: Likely benign for Hereditary cancer-predisposing syndrome. Last evaluated: 2016-08-05. Review status: criteria provided, single submitter. Criteria: Ambry Variant Classification Scheme 2023. Collection method: clinical testing. Allele origin: germline.

GeneDx
Classification: Benign. Last evaluated: 2014-02-07. Review status: criteria provided, single submitter. Criteria: GeneDx Variant Classification (06012015). Collection method: clinical testing. Allele origin: germline. Affected: yes.
Comment: This variant is considered likely benign or benign based on one or more of the following criteria: it is a conservative change, it occurs at a poorly conserved position in the protein, it is predicted to be benign by multiple in silico algorithms, and/or has population frequency not consistent with disease.